The following is an entry in ClinVar:

NM_005876.5(SPEG):c.3308C>T (p.Pro1103Leu)

Gene: SPEG (striated muscle enriched protein kinase; plus strand). Cytogenetic location: 2q35.
Variant type: single nucleotide variant.
Coding change: c.3308C>T on transcript NM_005876.5 (MANE Select); coding-DNA position 3308, C replaced by T.
Protein change: p.Pro1103Leu; replaces proline 1103 with leucine.
Molecular consequence: missense variant.
Genome position (GRCh38, 1-based): chr2:219,468,865, C>T. VCF-style: chr2-219468865-C-T. GRCh37 (hg19) VCF-style: chr2-220333587-C-T.
Other names: short protein forms P1103L.
Identifiers: ClinVar variation 710315 (VCV000710315.34), dbSNP rs56334571, ClinGen allele CA2126139.

ClinVar aggregate classification (germline): Benign/Likely benign. Review status: criteria provided, multiple submitters, no conflicts (2 of 4 stars). 4 submissions from 4 submitters: Benign (1); Likely benign (2). 1 of the submissions does not count toward it. Last evaluated 2026-08-01.

Conditions:
SPEG-related disorder. Also called: SPEG-related condition.

Allele frequency attached by ClinVar (database versions not stated): 1000 Genomes Project 0.00020; 1000 Genomes Project 30x 0.00031; TOPMed 0.00048; ESP Exome Variant Server 0.00064; ExAC 0.00197; gnomAD exomes 0.00216; gnomAD 0.00319.
gnomAD v4.1: 1,923 of 1,612,192 alleles (0.12%); highest among the groups gnomAD compares: Non-Finnish European, 0.075%; 10 homozygotes.

Submissions (4):

CeGaT Center for Human Genetics Tuebingen
Classification: Likely benign. Last evaluated: 2026-08-01. Review status: criteria provided, single submitter. Criteria: CeGaT Center For Human Genetics Tuebingen Variant Classification Criteria Version 2. Collection method: clinical testing. Allele origin: germline. Affected: yes. Observed: 4 variant alleles.
Comment: SPEG: BP4, BS1

Labcorp Genetics (formerly Invitae), Labcorp
Classification: Benign. Last evaluated: 2026-01-27. Review status: criteria provided, single submitter. Criteria: Invitae Variant Classification Sherloc (09022015). Collection method: clinical testing. Allele origin: germline.

Blueprint Genetics
Classification: Likely benign. Last evaluated: 2024-11-19. Review status: criteria provided, single submitter. Criteria: ACMG Guidelines, 2015. Collection method: clinical testing. Allele origin: germline.

PreventionGenetics, part of Exact Sciences
Classification: Benign for SPEG-related condition. Last evaluated: 2019-09-06. Review status: no assertion criteria provided. Collection method: clinical testing. Allele origin: germline. Not counted in ClinVar's aggregate classification.
Comment: This variant is classified as benign based on ACMG/AMP sequence variant interpretation guidelines (Richards et al. 2015 PMID: 25741868, with internal and published modifications).